The following is an entry in ClinVar:

ClinVar aggregate classification (germline): Uncertain significance (0 of 4 stars; one submission).

Conditions:
SEMA3C-related disorder. Also called: SEMA3C-related condition.

gnomAD v4.1: 24 of 1,613,248 alleles (0.0015%); highest among the groups gnomAD compares: Admixed American, 0.005%; no homozygotes.

Submission:

PreventionGenetics, part of Exact Sciences
Classification: Uncertain significance for SEMA3C-related condition. Last evaluated: 2024-06-28. Review status: no assertion criteria provided. Collection method: clinical testing. Allele origin: germline.
Comment: The SEMA3C c.575C>T variant is predicted to result in the amino acid substitution p.Thr192Met. To our knowledge, this variant has not been reported in the literature. This variant is reported in 0.0046% of alleles in individuals of European (Finnish) descent in gnomAD. At this time, the clinical significance of this variant is uncertain due to the absence of conclusive functional and genetic evidence.

NM_006379.5(SEMA3C):c.521C>T (p.Thr174Met)

Gene: SEMA3C (semaphorin 3C; minus strand). Cytogenetic location: 7q21.11.
Variant type: single nucleotide variant.
Coding change: c.521C>T on transcript NM_006379.5 (MANE Select); coding-DNA position 521, C replaced by T.
Protein change: p.Thr174Met; replaces threonine 174 with methionine.
Molecular consequence: missense variant.
Genome position (GRCh38, 1-based): chr7:80,810,628, G>A on the plus strand (C>T on the coding strand, the complement: SEMA3C is on the minus strand). VCF-style: chr7-80810628-G-A. GRCh37 (hg19) VCF-style: chr7-80439944-G-A.
Other names: c.575C>T, p.Thr192Met (NM_001350120.2); c.347C>T, p.Thr116Met (NM_001350121.2); short protein forms T116M, T174M, T192M.
Identifiers: ClinVar variation 3351684 (VCV003351684.1).